The following is an entry in ClinVar:

ClinVar aggregate classification (germline): Uncertain significance (1 of 4 stars; one submission).

Conditions:
Duchenne muscular dystrophy (DMD). Also called: MUSCULAR DYSTROPHY, PSEUDOHYPERTROPHIC PROGRESSIVE, DUCHENNE TYPE; Duchenne Muscular Dystrophy (DMD). Identifiers: Orphanet 98896, MedGen C0013264, MONDO:0010679, OMIM 310200.

gnomAD v4.1: 1 of 1,210,998 alleles (0.000083%); highest among the groups gnomAD compares: Non-Finnish European, 0.00011%; no homozygotes.

Submission:

Labcorp Genetics (formerly Invitae), Labcorp
Classification: Uncertain significance for Duchenne muscular dystrophy. Last evaluated: 2024-10-16. Review status: criteria provided, single submitter. Criteria: Invitae Variant Classification Sherloc (09022015). Collection method: clinical testing. Allele origin: germline.
Comment: This sequence change replaces arginine, which is basic and polar, with glycine, which is neutral and non-polar, at codon 3232 of the DMD protein (p.Arg3232Gly). This variant is not present in population databases (gnomAD no frequency). This variant has not been reported in the literature in individuals affected with DMD-related conditions. Invitae Evidence Modeling of protein sequence and biophysical properties (such as structural, functional, and spatial information, amino acid conservation, physicochemical variation, residue mobility, and thermodynamic stability) indicates that this missense variant is not expected to disrupt DMD protein function with a negative predictive value of 95%. In summary, the available evidence is currently insufficient to determine the role of this variant in disease. Therefore, it has been classified as a Variant of Uncertain Significance.

NM_004006.3(DMD):c.9694C>G (p.Arg3232Gly)

Gene: DMD (dystrophin; minus strand). Cytogenetic location: Xp21.2.
Variant type: single nucleotide variant.
Coding change: c.9694C>G on transcript NM_004006.3 (MANE Select); coding-DNA position 9694, C replaced by G.
Protein change: p.Arg3232Gly; replaces arginine 3232 with glycine.
Molecular consequence: missense variant.
Genome position (GRCh38, 1-based): chrX:31,204,074, G>C on the plus strand (C>G on the coding strand, the complement: DMD is on the minus strand). VCF-style: chrX-31204074-G-C. GRCh37 (hg19) VCF-style: chrX-31222191-G-C.
Other names: c.9670C>G, p.Arg3224Gly (NM_000109.4); c.9682C>G, p.Arg3228Gly (NM_004009.3); c.9325C>G, p.Arg3109Gly (NM_004010.3); c.5671C>G, p.Arg1891Gly (NM_004011.4); c.5662C>G, p.Arg1888Gly (NM_004012.4); c.2314C>G, p.Arg772Gly (NM_004013.3, NM_004020.4, NM_004021.3 and 2 more transcripts); c.1507C>G, p.Arg503Gly (NM_004014.3); c.490C>G, p.Arg164Gly (NM_004015.3, NM_004016.3, NM_004017.3 and 2 more transcripts); short protein forms R1891G, R3224G, R503G, R3109G, R3228G, R1888G, R3232G, R164G.
Identifiers: ClinVar variation 3696237 (VCV003696237.2).
Genomic context (GRCh38, chrX:31,204,074, plus strand): 5'-CAACTTCACCCAACTGTCTTGGAATTTGGATAGAATCATGCAGAAGGAGGCCCAGCCTGC[G>C]CTGGTCACAAAATCCTGTTGAACTTGCCACTTGCTTGAAAAGGTCTACAAAGGAAGAAGA-3'
Protein context (NP_003997.2, residues 3222-3242): VASSTGFCDQ[Arg3232Gly]RLGLLLHDSI